The following is an entry in ClinVar:

NM_001386140.1(MTTP):c.1618C>T (p.Arg540Cys)

Gene: MTTP (microsomal triglyceride transfer protein; plus strand). Cytogenetic location: 4q23.
Variant type: single nucleotide variant.
Coding change: c.1618C>T on transcript NM_001386140.1 (MANE Select); coding-DNA position 1618, C replaced by T.
Protein change: p.Arg540Cys; replaces arginine 540 with cysteine.
Molecular consequence: missense variant.
Genome position (GRCh38, 1-based): chr4:99,608,826, C>T. VCF-style: chr4-99608826-C-T. GRCh37 (hg19) VCF-style: chr4-100529983-C-T.
Other names: c.1618C>T (NM_000253.2); c.1618C>T, p.Arg540Cys (NM_000253.4); c.1369C>T, p.Arg457Cys (NM_001300785.2); short protein forms R540C, R457C.
Identifiers: ClinVar variation 840396 (VCV000840396.13), dbSNP rs372321643, ClinGen allele CA3022145.

ClinVar aggregate classification (germline): Pathogenic/Likely pathogenic. Review status: criteria provided, multiple submitters, no conflicts (2 of 4 stars). 7 submissions from 7 submitters: Pathogenic (1); Likely pathogenic (5). 1 of the submissions does not count toward it. Last evaluated 2026-01-29.

Conditions:
Abetalipoproteinaemia (ABL). Also called: MTP DEFICIENCY; Abetalipoproteinemia; Abetalipoproteinemia neuropathy; Apolipoprotein B deficiency; Congenital betalipoprotein deficiency syndrome. Identifiers: Orphanet 14, MedGen C0000744, MONDO:0008692, OMIM 200100, HP:0008181.
MTTP-related disorder. Also called: MTTP-related condition.

Allele frequency attached by ClinVar (database versions not stated): ExAC 0.00001; gnomAD exomes 0.00002 and 0.00003; gnomAD 0.00004 and 0.00005; TOPMed 0.00004; ESP Exome Variant Server 0.00008.
gnomAD v4.1: 42 of 1,613,958 alleles (0.0026%); highest among the groups gnomAD compares: Middle Eastern, 0.016%; no homozygotes.

Submissions (7):

Natera, Inc.
Classification: Likely pathogenic for Abetalipoproteinemia. Last evaluated: 2026-01-29. Review status: criteria provided, single submitter. Criteria: Natera Variant Classification Schema (03/2026). Collection method: clinical testing. Allele origin: germline.
Comment: The c.1618C>T variant in MTTP is a missense variant predicted to cause substitution of arginine to cysteine at amino acid 540. This variant is rare in the general population with a frequency below the threshold expected for the associated phenotype(s). This variant has been observed in one or more individuals affected with the associated recessive disease, as either homozygous or compound heterozygous with a second variant (PMID: 27578136). Functional studies show that this variant may disrupt protein function (PMID: 25108285). A different variant at the same position has been determined to be Pathogenic or Likely Pathogenic. Computational prediction algorithms indicate this variant is likely to affect gene or protein function. Given the available evidence, this variant is classified as Likely Pathogenic.

GeneDx
Classification: Likely pathogenic. Last evaluated: 2024-11-08. Review status: criteria provided, single submitter. Criteria: GeneDx Variant Classification Process June 2021. Collection method: clinical testing. Allele origin: germline. Affected: yes.
Comment: Published functional studies demonstrate a damaging effect (PMID: 25108285); In silico analysis supports that this missense variant has a deleterious effect on protein structure/function; This variant is associated with the following publications: (PMID: 27578136, 25108285, 32041611, 31964843)

Labcorp Genetics (formerly Invitae), Labcorp
Classification: Pathogenic. Last evaluated: 2024-10-23. Review status: criteria provided, single submitter. Criteria: Invitae Variant Classification Sherloc (09022015). Collection method: clinical testing. Allele origin: germline.
Comment: This sequence change replaces arginine, which is basic and polar, with cysteine, which is neutral and slightly polar, at codon 540 of the MTTP protein (p.Arg540Cys). The frequency data for this variant in the population databases is considered unreliable, as metrics indicate poor data quality at this position in the gnomAD database. This missense change has been observed in individual(s) with abetalipoproteinemia (PMID: 25108285, 27578136). In at least one individual the data is consistent with being in trans (on the opposite chromosome) from a pathogenic variant. ClinVar contains an entry for this variant (Variation ID: 840396). Invitae Evidence Modeling of protein sequence and biophysical properties (such as structural, functional, and spatial information, amino acid conservation, physicochemical variation, residue mobility, and thermodynamic stability) indicates that this missense variant is expected to disrupt MTTP protein function with a positive predictive value of 80%. Experimental studies have shown that this missense change affects MTTP function (PMID: 25108285). This variant disrupts the p.Arg540 amino acid residue in MTTP. Other variant(s) that disrupt this residue have been determined to be pathogenic (PMID: 8939939, 10679949, 30522860). This suggests that this residue is clinically significant, and that variants that disrupt this residue are likely to be disease-causing. For these reasons, this variant has been classified as Pathogenic.

Fulgent Genetics
Classification: Likely pathogenic for Abetalipoproteinaemia. Last evaluated: 2024-01-17. Review status: criteria provided, single submitter. Criteria: ACMG Guidelines, 2015. Collection method: clinical testing. Allele origin: germline.

Blueprint Genetics
Classification: Likely pathogenic for MTTP-related disorders. Last evaluated: 2023-01-20. Review status: criteria provided, single submitter. Criteria: ACMG Guidelines, 2015. Collection method: clinical testing. Allele origin: germline. Affected: yes. Observed: 4 variant alleles.

Women's Health and Genetics/Laboratory Corporation of America, LabCorp
Classification: Likely pathogenic for Abetalipoproteinaemia. Last evaluated: 2022-03-10. Review status: criteria provided, single submitter. Criteria: LabCorp Variant Classification Summary - May 2015. Collection method: clinical testing. Allele origin: germline.
Comment: Variant summary: MTTP c.1618C>T (p.Arg540Cys) results in a non-conservative amino acid change located in the Vitellogenin, N-terminal domain (IPR001747) of the encoded protein sequence. Five of five in-silico tools predict a damaging effect of the variant on protein function. The variant allele was found at a frequency of 2.8e-05 in 251142 control chromosomes (gnomAD). c.1618C>T has been reported in the literature in individuals affected with Abetalipoproteinaemia (Bassen-Kornzweig Syndrome) (e.g. Miller_2014, Paquette_2016). These data indicate that the variant may be associated with disease. Experimental evidence evaluating an impact on protein function demonstrated the lipid-transfer activity of the variant to be significantly reduced compared to wild-type (Miller_2014). Two ClinVar submitters (evaluation after 2014) cite the variant as pathogenic/likely pathogenic. Based on the evidence outlined above, the variant was classified as likely pathogenic.

New York Genome Center
Classification: Uncertain significance for Abetalipoproteinaemia. Last evaluated: 2022-03-25. Review status: flagged submission. Criteria: NYGC Assertion Criteria 2020. Collection method: clinical testing. Allele origin: germline. Observed: 1 heterozygote. Not counted in ClinVar's aggregate classification.
ClinVar note: Reason: Outlier claim with insufficient supporting evidence

Literature cited by the submitters: PubMed 27578136 (cited by 3 submitters); PubMed 25108285 (cited by 3 submitters); PubMed 8939939 (cited by Labcorp Genetics (formerly Invitae), Labcorp); PubMed 10679949 (cited by Labcorp Genetics (formerly Invitae), Labcorp); PubMed 30522860 (cited by Labcorp Genetics (formerly Invitae), Labcorp); PubMed 32041611 (cited by Women's Health and Genetics/Laboratory Corporation of America, LabCorp).